The following is an entry in ClinVar:

ClinVar aggregate classification (germline): Likely pathogenic (1 of 4 stars; one submission).

Conditions:
Neuromuscular disease caused by qualitative or quantitative defects of dystrophin. Also called: Qualitative or quantitative defects of dystrophin. Identifiers: Orphanet 207085, MedGen C5679787, MONDO:0016147.

Submission:

Women's Health and Genetics/Laboratory Corporation of America, LabCorp
Classification: Likely pathogenic for Neuromuscular disease caused by qualitative or quantitative defects of dystrophin. Last evaluated: 2022-09-29. Review status: criteria provided, single submitter. Criteria: LabCorp Variant Classification Summary - May 2015. Collection method: clinical testing. Allele origin: germline.
Comment: Variant summary: The variant identified by MLPA or other technology involves the deletion of exons 38-41 in the DMD gene. A presumed nomenclature of c.(5325+1_5326-1)_(5922+1_5923-1)del has been designated for the purposes of this classification. Although exact breakpoints of this deletion are not known, it is expected to result in a large in-frame deletion change in the DMD gene, a known mechanism of disease. The variant was absent in 15745 control chromosomes (gnomAD, Structural Variants dataset). Deletion of exons 38-41 has been reported in the literature in individuals affected with Dystrophinopathies (Den Dunnen_1989). These data indicate that the variant is likely to be associated with disease. A ClinVar submitter (evaluation after 2014) cites the variant as pathogenic. Based on the evidence outlined above, the variant was classified as likely pathogenic.

Literature cited by the submitters: PubMed 2573997.

NC_000023.10:g.(32328394_32360216)_(32366646_32380904)del

Gene: DMD (dystrophin; minus strand). Cytogenetic location: Xp21.1.
Variant type: Deletion.
Identifiers: ClinVar variation 1722395 (VCV001722395.1).